The following is an entry in ClinVar:

NM_024757.5(EHMT1):c.968C>G (p.Thr323Ser)

Gene: EHMT1 (euchromatic histone lysine methyltransferase 1; plus strand). Cytogenetic location: 9q34.3.
Variant type: single nucleotide variant.
Coding change: c.968C>G on transcript NM_024757.5 (MANE Select); coding-DNA position 968, C replaced by G.
Protein change: p.Thr323Ser; replaces threonine 323 with serine.
Molecular consequence: missense variant.
Genome position (GRCh38, 1-based): chr9:137,743,515, C>G. VCF-style: chr9-137743515-C-G. GRCh37 (hg19) VCF-style: chr9-140637967-C-G.
Other names: c.968C>G, p.Thr323Ser (NM_001145527.2, NM_001354611.2); c.875C>G, p.Thr292Ser (NM_001354259.2, NM_001354612.2); c.947C>G, p.Thr316Ser (NM_001354263.2); short protein forms T292S, T323S, T316S.
Identifiers: ClinVar variation 2814021 (VCV002814021.3), dbSNP rs2541602344, ClinGen allele CA375778364.

ClinVar aggregate classification (germline): Uncertain significance (1 of 4 stars; one submission).

Conditions:
Kleefstra syndrome 1 (KLEFS1). Identifiers: Orphanet 261494, MedGen C0795833, MONDO:0027407, OMIM 610253.

Submission:

Labcorp Genetics (formerly Invitae), Labcorp
Classification: Uncertain significance for Kleefstra syndrome 1. Last evaluated: 2026-01-12. Review status: criteria provided, single submitter. Criteria: Invitae Variant Classification Sherloc (09022015). Collection method: clinical testing. Allele origin: germline.
Comment: This sequence change replaces threonine, which is neutral and polar, with serine, which is neutral and polar, at codon 323 of the EHMT1 protein (p.Thr323Ser). This variant is not present in population databases (gnomAD no frequency). This variant has not been reported in the literature in individuals affected with EHMT1-related conditions. ClinVar contains an entry for this variant (Variation ID: 2814021). An algorithm developed to predict the effect of missense changes on protein structure and function (PolyPhen-2) suggests that this variant is likely to be tolerated. In summary, the available evidence is currently insufficient to determine the role of this variant in disease. Therefore, it has been classified as a Variant of Uncertain Significance.